The following is an entry in ClinVar:

NM_025144.4(ALPK1):c.2278A>G (p.Arg760Gly)

Gene: ALPK1 (alpha kinase 1; plus strand). Cytogenetic location: 4q25.
Variant type: single nucleotide variant.
Coding change: c.2278A>G on transcript NM_025144.4 (MANE Select); coding-DNA position 2278, A replaced by G.
Protein change: p.Arg760Gly; replaces arginine 760 with glycine.
Molecular consequence: missense variant.
Genome position (GRCh38, 1-based): chr4:112,431,825, A>G. VCF-style: chr4-112431825-A-G. GRCh37 (hg19) VCF-style: chr4-113352981-A-G.
Other names: c.2278A>G, p.Arg760Gly (NM_001102406.2); c.2044A>G, p.Arg682Gly (NM_001253884.2); short protein forms R682G, R760G.
Identifiers: ClinVar variation 4753645 (VCV004753645.1).

ClinVar aggregate classification (germline): Uncertain significance (1 of 4 stars; one submission).

gnomAD v4.1: 5 of 1,614,160 alleles (0.00031%); highest among the groups gnomAD compares: Admixed American, 0.005%; no homozygotes.

Submission:

Labcorp Genetics (formerly Invitae), Labcorp
Classification: Uncertain significance. Last evaluated: 2025-07-09. Review status: criteria provided, single submitter. Criteria: Invitae Variant Classification Sherloc (09022015). Collection method: clinical testing. Allele origin: germline.
Comment: This sequence change replaces arginine, which is basic and polar, with glycine, which is neutral and non-polar, at codon 760 of the ALPK1 protein (p.Arg760Gly). This variant is present in population databases (no rsID available, gnomAD 0.003%). This variant has not been reported in the literature in individuals affected with ALPK1-related conditions. Invitae Evidence Modeling of protein sequence and biophysical properties (such as structural, functional, and spatial information, amino acid conservation, physicochemical variation, residue mobility, and thermodynamic stability) indicates that this missense variant is not expected to disrupt ALPK1 protein function with a negative predictive value of 80%. In summary, the available evidence is currently insufficient to determine the role of this variant in disease. Therefore, it has been classified as a Variant of Uncertain Significance.